The following is an entry in ClinVar:

ClinVar aggregate classification (germline): Pathogenic (1 of 4 stars; one submission).

Conditions:
Predisposition to invasive fungal disease due to CARD9 deficiency (IMD103). Also called: IMMUNODEFICIENCY 103, SUSCEPTIBILITY TO FUNGAL INFECTIONS; CARD9 IMMUNODEFICIENCY; Candidiasis, familial, 2, autosomal recessive. Identifiers: Orphanet 457088, MedGen C1859353, MONDO:0008905, OMIM 212050.

Submission:

Labcorp Genetics (formerly Invitae), Labcorp
Classification: Pathogenic for Predisposition to invasive fungal disease due to CARD9 deficiency. Last evaluated: 2023-08-17. Review status: criteria provided, single submitter. Criteria: Invitae Variant Classification Sherloc (09022015). Collection method: clinical testing. Allele origin: unknown.
Comment: For these reasons, this variant has been classified as Pathogenic. This variant has not been reported in the literature in individuals affected with CARD9-related conditions. A gross deletion of the genomic region encompassing the full coding sequence of the CARD9 gene has been identified. Loss-of-function variants in CARD9 are known to be pathogenic (PMID: 19864672, 24131138, 24231284). The boundaries of this event are unknown as they extend beyond the assayed region for this gene and therefore may encompass additional genes.

Literature cited by the submitters: PubMed 19864672; PubMed 24131138; PubMed 24231284.

NC_000009.11:g.(?_139258754)_(139266530_?)del

Gene: CARD9 (caspase recruitment domain family member 9; minus strand). Cytogenetic location: 9q34.3.
Variant type: Deletion.
Identifiers: ClinVar variation 3245198 (VCV003245198.1).